The following is an entry in ClinVar:

ClinVar aggregate classification (germline): Uncertain significance (1 of 4 stars; one submission).

Allele frequency attached by ClinVar (database versions not stated): gnomAD exomes below 0.00001 and 0.00001; gnomAD 0.00001; TOPMed 0.00001.
gnomAD v4.1: 10 of 1,613,998 alleles (0.00062%); highest among the groups gnomAD compares: East Asian, 0.0045%; no homozygotes.

Submission:

Labcorp Genetics (formerly Invitae), Labcorp
Classification: Uncertain significance. Last evaluated: 2024-01-14. Review status: criteria provided, single submitter. Criteria: Invitae Variant Classification Sherloc (09022015). Collection method: clinical testing. Allele origin: germline.
Comment: This sequence change replaces proline, which is neutral and non-polar, with serine, which is neutral and polar, at codon 249 of the KCNJ13 protein (p.Pro249Ser). This variant is present in population databases (rs201555149, gnomAD 0.0009%). This variant has not been reported in the literature in individuals affected with KCNJ13-related conditions. ClinVar contains an entry for this variant (Variation ID: 1523701). Advanced modeling of protein sequence and biophysical properties (such as structural, functional, and spatial information, amino acid conservation, physicochemical variation, residue mobility, and thermodynamic stability) performed at Invitae indicates that this missense variant is not expected to disrupt KCNJ13 protein function with a negative predictive value of 80%. In summary, the available evidence is currently insufficient to determine the role of this variant in disease. Therefore, it has been classified as a Variant of Uncertain Significance.

NM_002242.4(KCNJ13):c.745C>T (p.Pro249Ser)

Genes: GIGYF2 (GRB10 interacting GYF protein 2; plus strand), KCNJ13 (potassium inwardly rectifying channel subfamily J member 13; minus strand). Cytogenetic location: 2q37.1.
Variant type: single nucleotide variant.
Coding change: c.745C>T on transcript NM_002242.4 (MANE Select); coding-DNA position 745, C replaced by T.
Protein change: p.Pro249Ser; replaces proline 249 with serine.
Molecular consequence: missense variant. On other transcripts: 3 prime UTR variant (1), intron variant (4).
Genome position (GRCh38, 1-based): chr2:232,768,529, G>A on the plus strand (C>T on the coding strand, the complement: KCNJ13 is on the minus strand). VCF-style: chr2-232768529-G-A. GRCh37 (hg19) VCF-style: chr2-233633239-G-A.
Other names: c.*224C>T (NM_001172416.1); c.505C>T, p.Pro169Ser (NM_001172417.1); c.532+7093G>A (NM_001103146.3, NM_015575.4, NM_001103147.2 and 1 more transcripts); short protein forms P249S, P169S.
Identifiers: ClinVar variation 1523701 (VCV001523701.8), dbSNP rs201555149, ClinGen allele CA66988143.